The following is an entry in ClinVar:

NM_001042681.2(RERE):c.4514G>A (p.Gly1505Glu)

Gene: RERE (arginine-glutamic acid dipeptide repeats; minus strand). Cytogenetic location: 1p36.23.
Variant type: single nucleotide variant.
Coding change: c.4514G>A on transcript NM_001042681.2 (MANE Select); coding-DNA position 4514, G replaced by A.
Protein change: p.Gly1505Glu; replaces glycine 1505 with glutamic acid.
Molecular consequence: missense variant.
Genome position (GRCh38, 1-based): chr1:8,355,572, C>T on the plus strand (G>A on the coding strand, the complement: RERE is on the minus strand). VCF-style: chr1-8355572-C-T. GRCh37 (hg19) VCF-style: chr1-8415632-C-T.
Other names: c.2852G>A, p.Gly951Glu (NM_001042682.2); c.4514G>A, p.Gly1505Glu (NM_012102.4); short protein forms G1505E, G951E.
Identifiers: ClinVar variation 3900083 (VCV003900083.1).

ClinVar aggregate classification (germline): Uncertain significance (1 of 4 stars; one submission).

gnomAD v4.1: 1 of 1,597,332 alleles (0.000063%); highest among the groups gnomAD compares: African/African-American, 0.0013%; no homozygotes.

Submission:

GeneDx
Classification: Uncertain significance. Last evaluated: 2024-11-21. Review status: criteria provided, single submitter. Criteria: GeneDx Variant Classification Process June 2021. Collection method: clinical testing. Allele origin: germline. Affected: yes.
Comment: Not observed at significant frequency in large population cohorts (gnomAD); In silico analysis supports that this missense variant has a deleterious effect on protein structure/function; Has not been previously published as pathogenic or benign to our knowledge; In silico analysis suggests this variant may impact gene splicing. In the absence of RNA/functional studies, the actual effect of this sequence change is unknown.